The following is an entry in ClinVar:

ClinVar aggregate classification (germline): Uncertain significance (1 of 4 stars; one submission).

Submission:

Labcorp Genetics (formerly Invitae), Labcorp
Classification: Uncertain significance. Last evaluated: 2023-07-16. Review status: criteria provided, single submitter. Criteria: Invitae Variant Classification Sherloc (09022015). Collection method: clinical testing. Allele origin: germline.
Comment: In summary, the available evidence is currently insufficient to determine the role of this variant in disease. Therefore, it has been classified as a Variant of Uncertain Significance. An algorithm developed to predict the effect of missense changes on protein structure and function (PolyPhen-2) suggests that this variant is likely to be tolerated. This variant has not been reported in the literature in individuals affected with SPEN-related conditions. This variant is not present in population databases (gnomAD no frequency). This sequence change replaces asparagine, which is neutral and polar, with aspartic acid, which is acidic and polar, at codon 1819 of the SPEN protein (p.Asn1819Asp).

NM_015001.3(SPEN):c.5455A>G (p.Asn1819Asp)

Gene: SPEN (spen family transcriptional repressor; plus strand). Cytogenetic location: 1p36.13.
Variant type: single nucleotide variant.
Coding change: c.5455A>G on transcript NM_015001.3 (MANE Select); coding-DNA position 5455, A replaced by G.
Protein change: p.Asn1819Asp; replaces asparagine 1819 with aspartic acid.
Molecular consequence: missense variant.
Genome position (GRCh38, 1-based): chr1:15,931,695, A>G. VCF-style: chr1-15931695-A-G. GRCh37 (hg19) VCF-style: chr1-16258190-A-G.
Other names: short protein forms N1819D.
Identifiers: ClinVar variation 2743661 (VCV002743661.3), dbSNP rs2523082771, ClinGen allele CA338627069.